The following is an entry in ClinVar:

ClinVar aggregate classification (germline): Uncertain significance. Review status: criteria provided, multiple submitters, no conflicts (2 of 4 stars). 3 submissions from 3 submitters: Uncertain significance (3). Last evaluated 2025-11-01.

Submissions (3):

CeGaT Center for Human Genetics Tuebingen
Classification: Uncertain significance. Last evaluated: 2025-11-01. Review status: criteria provided, single submitter. Criteria: CeGaT Center For Human Genetics Tuebingen Variant Classification Criteria Version 2. Collection method: clinical testing. Allele origin: germline. Affected: yes. Observed: 1 variant allele.
Comment: DEAF1: PM2

Greenwood Genetic Center Diagnostic Laboratories, Greenwood Genetic Center
Classification: Uncertain significance. Last evaluated: 2024-08-23. Review status: criteria provided, single submitter. Criteria: ACMG Guidelines, 2015. Collection method: clinical testing. Allele origin: germline. Affected: yes.
Comment: PM2, PP3

GeneDx
Classification: Uncertain significance. Last evaluated: 2022-11-22. Review status: criteria provided, single submitter. Criteria: GeneDx Variant Classification Process June 2021. Collection method: clinical testing. Allele origin: germline. Affected: yes.
Comment: Not observed at significant frequency in large population cohorts (gnomAD); In silico analysis supports that this missense variant does not alter protein structure/function; Has not been previously published as pathogenic or benign to our knowledge

NM_021008.4(DEAF1):c.913A>G (p.Lys305Glu)

Gene: DEAF1 (DEAF1 transcription factor; minus strand). Cytogenetic location: 11p15.5.
Variant type: single nucleotide variant.
Coding change: c.913A>G on transcript NM_021008.4 (MANE Select); coding-DNA position 913, A replaced by G.
Protein change: p.Lys305Glu; replaces lysine 305 with glutamic acid.
Molecular consequence: missense variant. On other transcripts: intron variant (1).
Genome position (GRCh38, 1-based): chr11:681,047, T>C on the plus strand (A>G on the coding strand, the complement: DEAF1 is on the minus strand). VCF-style: chr11-681047-T-C. GRCh37 (hg19) VCF-style: chr11-681047-T-C.
Other names: c.187A>G, p.Lys63Glu (NM_001367390.1, NM_001440885.1, NM_001440886.1 and 1 more transcripts); c.913A>G, p.Lys305Glu (NM_001440883.1, NM_001440884.1); c.731-1231A>G (NM_001293634.2); short protein forms K305E, K63E.
Identifiers: ClinVar variation 2503315 (VCV002503315.8), dbSNP rs1590008248, ClinGen allele CA378928452.
Genomic context (GRCh38, chr11:681,047, plus strand): 5'-GCAATGTGATGTTCTTGGGGGAGTCCTTCTTCACGGGAGTTGTGGGCAGTTCATTCTCCT[T>C]CTTGCGCCTTTTGTAAGGCACAAAAAGCCTGACTGGGCCACTCTGGGGGAGAAAGGAGAG-3'
Protein context (NP_066288.2, residues 295-315): RLFVPYKRRK[Lys305Glu]ENELPTTPVK